The following is an entry in ClinVar:

ClinVar aggregate classification (germline): Conflicting classifications of pathogenicity. Review status: criteria provided, conflicting classifications (1 of 4 stars). 4 submissions from 4 submitters: Uncertain significance (1); Likely benign (2). 1 of the submissions does not count toward it. Last evaluated 2024-12-07.

Conditions:
Permanent neonatal diabetes mellitus (PNDM). Identifiers: Orphanet 99885, MedGen C1833104, MONDO:0100164, MONDO:0011643. Disease mechanism: gain of function.
Maturity-onset diabetes of the young (MODY). Also called: Maturity onset diabetes mellitus in young. Identifiers: Orphanet 552, MedGen C0342276, MONDO:0018911, HP:0004904.

Allele frequency attached by ClinVar (database versions not stated): gnomAD 0.00005; TOPMed 0.00015.

Submissions (4):

Labcorp Genetics (formerly Invitae), Labcorp
Classification: Likely benign. Last evaluated: 2024-12-07. Review status: criteria provided, single submitter. Criteria: Invitae Variant Classification Sherloc (09022015). Collection method: clinical testing. Allele origin: germline.

Women's Health and Genetics/Laboratory Corporation of America, LabCorp
Classification: Likely benign. Last evaluated: 2023-09-15. Review status: criteria provided, single submitter. Criteria: LabCorp Variant Classification Summary - May 2015. Collection method: clinical testing. Allele origin: germline.

Clinical Genomics, Uppaluri K&H Personalized Medicine Clinic
Classification: Uncertain significance for Maturity-onset diabetes of the young. Review status: criteria provided, single submitter. Criteria: K&H Uppaluri Personalized Medicine Clinic Variant Classification & Assertion Criteria. Collection method: research. Allele origin: somatic. Inheritance: Autosomal dominant inheritance.
Comment: Mutations in KCNJ11 gene can cause decreased production and secretion of insulin. This can lead to MODY which may be responsive to oral sulfonylureas. It is also associated with Neonatal Diabetes. However, no sufficient evidence is found to ascertain the role of rs933392379 variant in MODY yet.

Natera, Inc.
Classification: Uncertain significance for Permanent neonatal diabetes mellitus. Last evaluated: 2020-04-13. Review status: no assertion criteria provided. Collection method: clinical testing. Allele origin: germline. Not counted in ClinVar's aggregate classification.

Literature cited by the submitters: PubMed 26448950 (cited by Clinical Genomics, Uppaluri K&H Personalized Medicine Clinic); PubMed 15580558 (cited by Clinical Genomics, Uppaluri K&H Personalized Medicine Clinic); PubMed 15718250 (cited by Clinical Genomics, Uppaluri K&H Personalized Medicine Clinic); PubMed 32935446 (cited by Clinical Genomics, Uppaluri K&H Personalized Medicine Clinic); PubMed 22701567 (cited by Clinical Genomics, Uppaluri K&H Personalized Medicine Clinic).

NM_000525.4(KCNJ11):c.894C>T (p.Thr298=)

Gene: KCNJ11 (potassium inwardly rectifying channel subfamily J member 11; minus strand). Cytogenetic location: 11p15.1.
Variant type: single nucleotide variant.
Coding change: c.894C>T on transcript NM_000525.4 (MANE Select); coding-DNA position 894, C replaced by T.
Protein change: p.Thr298=; no amino-acid change (threonine 298 retained).
Molecular consequence: synonymous variant.
Genome position (GRCh38, 1-based): chr11:17,387,198, G>A on the plus strand (C>T on the coding strand, the complement: KCNJ11 is on the minus strand). VCF-style: chr11-17387198-G-A. GRCh37 (hg19) VCF-style: chr11-17408745-G-A.
Other names: c.633C>T, p.Thr211= (NM_001166290.2, NM_001377296.1, NM_001377297.1).
Identifiers: ClinVar variation 737130 (VCV000737130.13), dbSNP rs933392379, ClinGen allele CA218399464.